The following is an entry in ClinVar:

NM_016239.4(MYO15A):c.1047C>T (p.Tyr349=)

Gene: MYO15A (myosin XVA; plus strand). Cytogenetic location: 17p11.2.
Variant type: single nucleotide variant.
Coding change: c.1047C>T on transcript NM_016239.4 (MANE Select); coding-DNA position 1047, C replaced by T.
Protein change: p.Tyr349=; no amino-acid change (tyrosine 349 retained).
Molecular consequence: synonymous variant.
Genome position (GRCh38, 1-based): chr17:18,119,847, C>T. VCF-style: chr17-18119847-C-T. GRCh37 (hg19) VCF-style: chr17-18023161-C-T.
Identifiers: ClinVar variation 227632 (VCV000227632.10), dbSNP rs567657743, ClinGen allele CA8423013.

ClinVar aggregate classification (germline): Likely benign. Review status: criteria provided, multiple submitters, no conflicts (2 of 4 stars). 3 submissions from 3 submitters: Likely benign (3). Last evaluated 2025-02-02.

Allele frequency attached by ClinVar (database versions not stated): 1000 Genomes Project 0.00020; ExAC 0.00005; 1000 Genomes Project 30x 0.00016; gnomAD exomes 0.00003 and 0.00009; TOPMed 0.00007.
gnomAD v4.1: 46 of 1,613,072 alleles (0.0029%); highest among the groups gnomAD compares: East Asian, 0.098%; no homozygotes.

Submissions (3):

Labcorp Genetics (formerly Invitae), Labcorp
Classification: Likely benign. Last evaluated: 2025-02-02. Review status: criteria provided, single submitter. Criteria: Invitae Variant Classification Sherloc (09022015). Collection method: clinical testing. Allele origin: germline.

GeneDx
Classification: Likely benign. Last evaluated: 2019-10-22. Review status: criteria provided, single submitter. Criteria: GeneDx Variant Classification Process June 2021. Collection method: clinical testing. Allele origin: germline. Affected: yes.

Laboratory for Molecular Medicine, Mass General Brigham Personalized Medicine
Classification: Likely benign. Last evaluated: 2017-06-26. Review status: criteria provided, single submitter. Criteria: LMM Criteria. Collection method: clinical testing. Allele origin: germline. Observed: 2 variant alleles.
Comment: p.Tyr349Tyr in exon 2 of MYO15A: This variant is not expected to have clinical s ignificance because it does not alter an amino acid residue and is not located w ithin the splice consensus sequence. It has been identified in 0.1% (21/18862) o f East Asian chromosomes by the Genome Aggregation Database (gnomAD; dbSNP rs567657743).